The following is an entry in ClinVar:

NM_003002.4(SDHD):c.4G>A (p.Ala2Thr)

Genes: SDHD (succinate dehydrogenase complex subunit D; plus strand), LOC126861339 (BRD4-independent group 4 enhancer GRCh37_chr11:111957035-111958234; plus strand). Cytogenetic location: 11q23.1.
Variant type: single nucleotide variant.
Coding change: c.4G>A on transcript NM_003002.4 (MANE Select); coding-DNA position 4, G replaced by A.
Protein change: p.Ala2Thr; replaces alanine 2 with threonine.
Molecular consequence: missense variant. On other transcripts: non-coding transcript variant (1).
Genome position (GRCh38, 1-based): chr11:112,086,911, G>A. VCF-style: chr11-112086911-G-A. GRCh37 (hg19) VCF-style: chr11-111957635-G-A.
Other names: c.4G>A, p.Ala2Thr (NM_001276503.2, NM_001276504.2, NM_001276506.2); c.4G>A (NM_003002.2); short protein forms A2T.
Identifiers: ClinVar variation 646883 (VCV000646883.7), dbSNP rs1401420432, ClinGen allele CA382616609.

ClinVar aggregate classification (germline): Uncertain significance. Review status: criteria provided, multiple submitters, no conflicts (2 of 4 stars). 2 submissions from 2 submitters: Uncertain significance (2). Last evaluated 2026-07-29.

Conditions:
Hereditary cancer-predisposing syndrome. Also called: Neoplastic Syndromes, Hereditary; Hereditary Cancer Syndrome; Hereditary neoplastic syndrome; Tumor predisposition. Identifiers: Orphanet 140162, MedGen C0027672, MeSH D009386, MONDO:0015356.
Cowden syndrome 3 (CWS3). Identifiers: Orphanet 201, MedGen CN166604, MONDO:0014045.
Carney-Stratakis syndrome. Also called: PARAGANGLIOMA AND GASTROINTESTINAL STROMAL TUMOR. Identifiers: Orphanet 97286, MedGen C1847319, MONDO:0011740, OMIM 606864.
Pheochromocytoma. Also called: MAX-Related Hereditary Paraganglioma-Pheochromocytoma Syndrome. Identifiers: Orphanet 29072, MedGen C0031511, MONDO:0008233, OMIM 171300, HP:0002666.
Paragangliomas with sensorineural hearing loss. Identifiers: MedGen C1868633.

Allele frequency attached by ClinVar (database versions not stated): gnomAD exomes below 0.00001.

Submissions (2):

Ambry Genetics
Classification: Uncertain significance for Hereditary cancer-predisposing syndrome. Last evaluated: 2026-07-29. Review status: criteria provided, single submitter. Criteria: Ambry Variant Classification Scheme 2023. Collection method: clinical testing. Allele origin: germline.
Comment: The p.A2T variant (also known as c.4G>A), located in coding exon 1 of the SDHD gene, results from a G to A substitution at nucleotide position 4. The alanine at codon 2 is replaced by threonine, an amino acid with similar properties. This amino acid position is highly conserved in available vertebrate species. In addition, this alteration is predicted to be deleterious by in silico analysis. Based on the available evidence, the clinical significance of this variant remains unclear.

Labcorp Genetics (formerly Invitae), Labcorp
Classification: Uncertain significance for Carney-Stratakis syndrome; Paragangliomas with sensorineural hearing loss; Pheochromocytoma; Cowden syndrome 3. Last evaluated: 2023-05-24. Review status: criteria provided, single submitter. Criteria: Invitae Variant Classification Sherloc (09022015). Collection method: clinical testing. Allele origin: germline.
Comment: This sequence change replaces alanine, which is neutral and non-polar, with threonine, which is neutral and polar, at codon 2 of the SDHD protein (p.Ala2Thr). This variant is present in population databases (no rsID available, gnomAD 0.003%). This variant has not been reported in the literature in individuals affected with SDHD-related conditions. ClinVar contains an entry for this variant (Variation ID: 646883). Advanced modeling of protein sequence and biophysical properties (such as structural, functional, and spatial information, amino acid conservation, physicochemical variation, residue mobility, and thermodynamic stability) performed at Invitae indicates that this missense variant is not expected to disrupt SDHD protein function. In summary, the available evidence is currently insufficient to determine the role of this variant in disease. Therefore, it has been classified as a Variant of Uncertain Significance.